The following is an entry in ClinVar:

ClinVar aggregate classification (germline): Benign/Likely benign. Review status: criteria provided, multiple submitters, no conflicts (2 of 4 stars). 3 submissions from 3 submitters: Benign (1); Likely benign (2). Last evaluated 2026-05-27.

Allele frequency attached by ClinVar (database versions not stated): gnomAD 0.00092; ESP Exome Variant Server 0.00115; ExAC 0.00030; TOPMed 0.00111; 1000 Genomes Project 30x 0.00156; 1000 Genomes Project 0.00160.
gnomAD v4.1: 272 of 1,613,464 alleles (0.017%); highest among the groups gnomAD compares: African/African-American, 0.34%; no homozygotes.

Submissions (4):

Women's Health and Genetics/Laboratory Corporation of America, LabCorp
Classification: Likely benign. Last evaluated: 2026-05-27. Review status: criteria provided, single submitter. Criteria: LabCorp Variant Classification Summary - May 2015. Collection method: clinical testing. Allele origin: germline.

Labcorp Genetics (formerly Invitae), Labcorp
Classification: Benign. Last evaluated: 2026-01-12. Review status: criteria provided, single submitter. Criteria: Invitae Variant Classification Sherloc (09022015). Collection method: clinical testing. Allele origin: germline.

Mayo Clinic Laboratories, Mayo Clinic
Classification: Likely benign. Last evaluated: 2025-06-09. Review status: criteria provided, single submitter. Criteria: ACMG Guidelines, 2015. Collection method: clinical testing. Allele origin: germline. Observed: 1 variant allele.
Comment: BS1, BP4, BP7

Dr. Peter K. Rogan Lab, Western University
No classification provided (evidence only). Condition: Familial cancer of breast. Review status: no classification provided. Collection method: in vitro. Allele origin: not applicable. Functional consequence: retained intron. Not counted in ClinVar's aggregate classification.

NM_018668.5(VPS33B):c.289+18C>G

Gene: VPS33B (VPS33B late endosome and lysosome associated; minus strand). Cytogenetic location: 15q26.1.
Variant type: single nucleotide variant.
Coding change: c.289+18C>G on transcript NM_018668.5 (MANE Select); 18 bases into the intron after coding-DNA position 289, C replaced by G.
Molecular consequence: intron variant.
Genome position (GRCh38, 1-based): chr15:91,014,366, G>C on the plus strand (C>G on the coding strand, the complement: VPS33B is on the minus strand). VCF-style: chr15-91014366-G-C. GRCh37 (hg19) VCF-style: chr15-91557596-G-C.
Other names: p.?; c.208+18C>G (NM_001289148.1); c.16+18C>G (NM_001289149.1); c.289+18C>G (NM_018668.4).
Identifiers: ClinVar variation 1897279 (VCV001897279.8), dbSNP rs145408340, ClinGen allele CA7745131.